The following is an entry in ClinVar:

NM_014363.6(SACS):c.8259_8263del (p.Asp2753fs)

Gene: SACS (sacsin molecular chaperone; minus strand). Cytogenetic location: 13q12.12.
Variant type: Deletion.
Coding change: c.8259_8263del on transcript NM_014363.6 (MANE Select); coding-DNA positions 8259 to 8263, 5 bases deleted (TAAGA; older notation c.8259_8263delTAAGA).
Protein change: p.Asp2753fs; shifts the reading frame from aspartic acid 2753.
Molecular consequence: frameshift variant.
Genome position (GRCh38, 1-based): chr13:23,335,613-23,335,617, TCTTA deleted on the plus strand (TAAGA on the coding strand, the reverse complement: SACS is on the minus strand); deleting any 5 consecutive bases within chr13:23,335,613-23,335,620 gives the same sequence; the c. name uses the placement nearest the transcript's 3' end. VCF-style (leftmost placement, unchanged base first): chr13-23335612-CTCTTA-C. GRCh37 (hg19) VCF-style: chr13-23909751-CTCTTA-C.
Other names: c.7818_7822del, p.Asp2606fs (NM_001278055.2); c.8286_8290del, p.Asp2762fs (NM_001437336.1); short protein forms D2606fs, D2753fs, D2762fs.
Identifiers: ClinVar variation 4815717 (VCV004815717.1).

ClinVar aggregate classification (germline): Likely pathogenic (1 of 4 stars; one submission).

Conditions:
Charlevoix-Saguenay spastic ataxia (SACS). Also called: AUTOSOMAL RECESSIVE SPASTIC ATAXIA OF CHARLEVOIX-SAGUENAY; Spastic ataxia of Charlevoix-Saguenay; SPASTIC ATAXIA 6, AUTOSOMAL RECESSIVE. Identifiers: Orphanet 98, MedGen C1849140, MONDO:0010041, OMIM 270550.

Submission:

Natera, Inc.
Classification: Likely pathogenic for Charlevoix-Saguenay type spastic ataxia. Last evaluated: 2024-07-10. Review status: criteria provided, single submitter. Criteria: Natera Variant Classification Schema (03/2026). Collection method: clinical testing. Allele origin: germline.
Comment: The c.8259_8263del variant in SACS is a frameshift variant predicted to shift the reading frame beginning at codon 2753 and leads to a stop codon 32 codons downstream. This variant is expected to result in nonsense mediated decay, truncation, or a dysfunctional protein product. This variant is rare in the general population with a frequency below the threshold expected for the associated phenotype(s). Given the available evidence, this variant is classified as Likely Pathogenic.